The following is an entry in ClinVar:

ClinVar aggregate classification (germline): Uncertain significance (1 of 4 stars; one submission).

gnomAD v4.1: 1 of 1,610,026 alleles (0.000062%); highest among the groups gnomAD compares: Non-Finnish European, 0.000085%; no homozygotes.

Submission:

Women's Health and Genetics/Laboratory Corporation of America, LabCorp
Classification: Uncertain significance. Last evaluated: 2020-03-23. Review status: criteria provided, single submitter. Criteria: LabCorp Variant Classification Summary - May 2015. Collection method: clinical testing. Allele origin: germline.
Comment: Variant summary: RYR2 c.2218A>T (p.Thr740Ser) results in a conservative amino acid change located in the SPRY domain (IPR003877) of the encoded protein sequence. Five of five in-silico tools predict a benign effect of the variant on protein function. The variant was absent in 248492 control chromosomes (gnomAD). The available data on variant occurrences in the general population are insufficient to allow any conclusion about variant significance. To our knowledge, no occurrence of c.2218A>T in individuals affected with Cardiomyopathy and no experimental evidence demonstrating its impact on protein function have been reported. No clinical diagnostic laboratories have submitted clinical-significance assessments for this variant to ClinVar after 2014. Based on the evidence outlined above, the variant was classified as uncertain significance.

NM_001035.3(RYR2):c.2218A>T (p.Thr740Ser)

Gene: RYR2 (ryanodine receptor 2; plus strand). Cytogenetic location: 1q43.
Variant type: single nucleotide variant.
Coding change: c.2218A>T on transcript NM_001035.3 (MANE Select); coding-DNA position 2218, A replaced by T.
Protein change: p.Thr740Ser; replaces threonine 740 with serine.
Molecular consequence: missense variant.
Genome position (GRCh38, 1-based): chr1:237,500,725, A>T. VCF-style: chr1-237500725-A-T. GRCh37 (hg19) VCF-style: chr1-237664025-A-T.
Other names: short protein forms T740S.
Identifiers: ClinVar variation 918144 (VCV000918144.1), dbSNP rs779813798, ClinGen allele CA345393028.